The following is an entry in ClinVar:

ClinVar aggregate classification (germline): Uncertain significance (1 of 4 stars; one submission).

Conditions:
Hereditary cancer-predisposing syndrome. Also called: Neoplastic Syndromes, Hereditary; Tumor predisposition; Hereditary Cancer Syndrome; Hereditary neoplastic syndrome. Identifiers: Orphanet 140162, MedGen C0027672, MeSH D009386, MONDO:0015356.

gnomAD v4.1: 1 of 1,613,890 alleles (0.000062%); highest among the groups gnomAD compares: African/African-American, 0.0013%; no homozygotes.

Submission:

Ambry Genetics
Classification: Uncertain significance for Hereditary cancer-predisposing syndrome. Last evaluated: 2026-02-23. Review status: criteria provided, single submitter. Criteria: Ambry Variant Classification Scheme 2023. Collection method: clinical testing. Allele origin: germline.
Comment: The p.G378S variant (also known as c.1132G>A), located in coding exon 9 of the TSC1 gene, results from a G to A substitution at nucleotide position 1132. The glycine at codon 378 is replaced by serine, an amino acid with similar properties. This amino acid position is conserved. In addition, this alteration is predicted to be tolerated by in silico analysis. Based on the available evidence, the clinical significance of this variant remains unclear.

NM_000368.5(TSC1):c.1132G>A (p.Gly378Ser)

Gene: TSC1 (TSC complex subunit 1; minus strand). Cytogenetic location: 9q34.13.
Variant type: single nucleotide variant.
Coding change: c.1132G>A on transcript NM_000368.5 (MANE Select); coding-DNA position 1132, G replaced by A.
Protein change: p.Gly378Ser; replaces glycine 378 with serine.
Molecular consequence: missense variant. On other transcripts: non-coding transcript variant (5).
Genome position (GRCh38, 1-based): chr9:132,911,011, C>T on the plus strand (G>A on the coding strand, the complement: TSC1 is on the minus strand). VCF-style: chr9-132911011-C-T. GRCh37 (hg19) VCF-style: chr9-135786398-C-T.
Other names: c.1132G>A, p.Gly378Ser (NM_001162426.2, NM_001406592.1, NM_001406593.1 and 16 more transcripts); c.979G>A, p.Gly327Ser (NM_001162427.2, NM_001406610.1, NM_001406611.1 and 2 more transcripts); c.769G>A, p.Gly257Ser (NM_001362177.2, NM_001406623.1, NM_001406624.1 and 10 more transcripts); c.181G>A, p.Gly61Ser (NM_001406626.1, NM_001406627.1, NM_001406628.1); c.82G>A, p.Gly28Ser (NM_001406629.1, NM_001406630.1); short protein forms G28S, G61S, G378S, G257S, G327S.
Identifiers: ClinVar variation 4825797 (VCV004825797.1).